The following is an entry in ClinVar:

NM_001290043.2(TAP2):c.224del (p.Leu75fs)

Gene: TAP2 (transporter 2, ATP binding cassette subfamily B member; minus strand). Cytogenetic location: 6p21.32.
Variant type: Deletion.
Coding change: c.224del on transcript NM_001290043.2 (MANE Select); coding-DNA position 224, one base deleted (T; older notation c.224delT).
Protein change: p.Leu75fs; shifts the reading frame from leucine 75.
Molecular consequence: frameshift variant.
Genome position (GRCh38, 1-based): chr6:32,838,010, A deleted on the plus strand (T on the coding strand, the reverse complement: TAP2 is on the minus strand). VCF-style (leftmost placement, unchanged base first): chr6-32838009-CA-C. GRCh37 (hg19) VCF-style: chr6-32805786-CA-C.
Other names: c.224del, p.Leu75fs (NM_000544.3, NM_018833.3); short protein forms L75fs.
Identifiers: ClinVar variation 2075917 (VCV002075917.4), dbSNP rs1455526809, ClinGen allele CA566697887.

ClinVar aggregate classification (germline): Pathogenic (1 of 4 stars; one submission).

Conditions:
MHC class I deficiency. Identifiers: Orphanet 34592, MedGen C6024714, MONDO:0011476.

Allele frequency attached by ClinVar (database versions not stated): gnomAD 0.00001; gnomAD exomes 0.00001; TOPMed 0.00001.

Submission:

Labcorp Genetics (formerly Invitae), Labcorp
Classification: Pathogenic for MHC class I deficiency 1. Last evaluated: 2023-10-23. Review status: criteria provided, single submitter. Criteria: Invitae Variant Classification Sherloc (09022015). Collection method: clinical testing. Allele origin: germline.
Comment: This sequence change creates a premature translational stop signal (p.Leu75Argfs*5) in the TAP2 gene. It is expected to result in an absent or disrupted protein product. Loss-of-function variants in TAP2 are known to be pathogenic (PMID: 7517574, 11529920, 12067308, 23662797). This variant is present in population databases (no rsID available, gnomAD 0.0009%). This variant has not been reported in the literature in individuals affected with TAP2-related conditions. ClinVar contains an entry for this variant (Variation ID: 2075917). For these reasons, this variant has been classified as Pathogenic.

Literature cited by the submitters: PubMed 7517574; PubMed 11529920; PubMed 12067308; PubMed 23662797.